The following is an entry in ClinVar:

ClinVar aggregate classification (germline): Uncertain significance (1 of 4 stars; one submission).

gnomAD v4.1: 1 of 1,613,690 alleles (0.000062%); highest among the groups gnomAD compares: Admixed American, 0.0017%; no homozygotes.

Submission:

Labcorp Genetics (formerly Invitae), Labcorp
Classification: Uncertain significance. Last evaluated: 2022-03-27. Review status: criteria provided, single submitter. Criteria: Invitae Variant Classification Sherloc (09022015). Collection method: clinical testing. Allele origin: germline.
Comment: This sequence change replaces aspartic acid, which is acidic and polar, with glutamic acid, which is acidic and polar, at codon 166 of the ZMPSTE24 protein (p.Asp166Glu). This variant is present in population databases (no rsID available, gnomAD 0.003%). This variant has not been reported in the literature in individuals affected with ZMPSTE24-related conditions. Algorithms developed to predict the effect of missense changes on protein structure and function are either unavailable or do not agree on the potential impact of this missense change (SIFT: "Not Available"; PolyPhen-2: "Probably Damaging"; Align-GVGD: "Not Available"). In summary, the available evidence is currently insufficient to determine the role of this variant in disease. Therefore, it has been classified as a Variant of Uncertain Significance.

NM_005857.5(ZMPSTE24):c.498T>G (p.Asp166Glu)

Gene: ZMPSTE24 (zinc metallopeptidase STE24; plus strand). Cytogenetic location: 1p34.2.
Variant type: single nucleotide variant.
Coding change: c.498T>G on transcript NM_005857.5 (MANE Select); coding-DNA position 498, T replaced by G.
Protein change: p.Asp166Glu; replaces aspartic acid 166 with glutamic acid.
Molecular consequence: missense variant.
Genome position (GRCh38, 1-based): chr1:40,269,998, T>G. VCF-style: chr1-40269998-T-G. GRCh37 (hg19) VCF-style: chr1-40735670-T-G.
Other names: short protein forms D166E.
Identifiers: ClinVar variation 2026864 (VCV002026864.1), dbSNP rs749183506, ClinGen allele CA339867938.